The following is an entry in ClinVar:

NM_004387.4(NKX2-5):c.684G>T (p.Lys228Asn)

Gene: NKX2-5 (NK2 homeobox 5; minus strand). Cytogenetic location: 5q35.1.
Variant type: single nucleotide variant.
Coding change: c.684G>T on transcript NM_004387.4 (MANE Select); coding-DNA position 684, G replaced by T.
Protein change: p.Lys228Asn; replaces lysine 228 with asparagine.
Molecular consequence: missense variant. On other transcripts: 3 prime UTR variant (2).
Genome position (GRCh38, 1-based): chr5:173,232,860, C>A on the plus strand (G>T on the coding strand, the complement: NKX2-5 is on the minus strand). VCF-style: chr5-173232860-C-A. GRCh37 (hg19) VCF-style: chr5-172659863-C-A.
Other names: c.*637G>T (NM_001166175.2); c.*483G>T (NM_001166176.2); short protein forms K228N.
Identifiers: ClinVar variation 3600737 (VCV003600737.1).

ClinVar aggregate classification (germline): Uncertain significance (1 of 4 stars; one submission).

Submission:

GeneDx
Classification: Uncertain significance. Last evaluated: 2024-07-23. Review status: criteria provided, single submitter. Criteria: GeneDx Variant Classification Process June 2021. Collection method: clinical testing. Allele origin: germline. Affected: yes.
Comment: Not observed at significant frequency in large population cohorts (gnomAD); In silico analysis supports that this missense variant has a deleterious effect on protein structure/function; Has not been previously published as pathogenic or benign to our knowledge